The following is an entry in ClinVar:

ClinVar aggregate classification (germline): Pathogenic (1 of 4 stars; one submission).

Conditions:
Retinal dystrophy. Also called: Inherited retinal dystrophy. Identifiers: Orphanet 71862, MedGen C0854723, MeSH D058499, MONDO:0019118, HP:0000556.

gnomAD v4.1: 2 of 1,605,416 alleles (0.00012%); highest among the groups gnomAD compares: South Asian, 0.0023%; no homozygotes.

Submission:

Ophthalmic Genetics Group, Institute of Molecular and Clinical Ophthalmology Basel
Classification: Pathogenic for Retinal dystrophy. Last evaluated: 2024-05-27. Review status: criteria provided, single submitter. Criteria: ACMG Guidelines, 2015. Collection method: research. Allele origin: germline. Affected: yes. Observed: 2 variant alleles.
Comment: This variant was classified as Pathogenic based on ACMG criteria: PVS1_Very strong, PM2_sup and PP1_strong

Literature cited by the submitters: PubMed 40180963.

NM_006017.3(PROM1):c.1649C>G (p.Ser550Ter)

Gene: PROM1 (prominin 1; minus strand). Cytogenetic location: 4p15.32.
Variant type: single nucleotide variant.
Coding change: c.1649C>G on transcript NM_006017.3 (MANE Select); coding-DNA position 1649, C replaced by G.
Protein change: p.Ser550Ter; replaces serine 550 with a stop codon.
Molecular consequence: nonsense.
Genome position (GRCh38, 1-based): chr4:15,998,418, G>C on the plus strand (C>G on the coding strand, the complement: PROM1 is on the minus strand). VCF-style: chr4-15998418-G-C. GRCh37 (hg19) VCF-style: chr4-16000041-G-C.
Other names: NC_000004.11:g.16000041G>C; NP_006008.1:p.(Ser550Ter); c.1622C>G, p.Ser541Ter (NM_001145847.2, NM_001145848.2, NM_001145851.2 and 4 more transcripts); c.1649C>G, p.Ser550Ter (NM_001145849.2, NM_001145850.2); short protein forms S541*, S550*.
Identifiers: ClinVar variation 3381821 (VCV003381821.2).